The following is an entry in ClinVar:

NM_001572.5(IRF7):c.602G>A (p.Trp201Ter)

Gene: IRF7 (interferon regulatory factor 7; minus strand). Cytogenetic location: 11p15.5.
Variant type: single nucleotide variant.
Coding change: c.602G>A on transcript NM_001572.5 (MANE Select); coding-DNA position 602, G replaced by A.
Protein change: p.Trp201Ter; replaces tryptophan 201 with a stop codon.
Molecular consequence: nonsense.
Genome position (GRCh38, 1-based): chr11:614,251, C>T on the plus strand (G>A on the coding strand, the complement: IRF7 is on the minus strand). VCF-style: chr11-614251-C-T. GRCh37 (hg19) VCF-style: chr11-614251-C-T.
Other names: c.602G>A, p.Trp201Ter (NM_004029.4); c.641G>A, p.Trp214Ter (NM_004031.4); short protein forms W201*, W214*.
Identifiers: ClinVar variation 1016506 (VCV001016506.5), dbSNP rs755499829, ClinGen allele CA5783896.
Genomic context (GRCh38, chr11:614,251, plus strand): 5'-GTCAGGGGAAGCCCTTCTTGTCCCTCTCCAGGAGCCTTGGTTGGGACTGGATCTGCCCCC[C>T]ATGACGCTGTCAGCAGATGGTCTGCCAGGCAGCTCTGTTGCACTGCCTGGAGCAGGAGGT-3'

ClinVar aggregate classification (germline): Uncertain significance (1 of 4 stars; one submission).

Conditions:
Immunodeficiency 39 (IMD39). Identifiers: Orphanet 574918, MedGen C4225358, MONDO:0014597, OMIM 616345.

Allele frequency attached by ClinVar (database versions not stated): ExAC 0.00002.

Submission:

Labcorp Genetics (formerly Invitae), Labcorp
Classification: Uncertain significance for Immunodeficiency 39. Last evaluated: 2025-07-21. Review status: criteria provided, single submitter. Criteria: Invitae Variant Classification Sherloc (09022015). Collection method: clinical testing. Allele origin: germline.
Comment: This sequence change creates a premature translational stop signal (p.Trp214*) in the IRF7 gene. It is expected to result in an absent or disrupted protein product. However, the current clinical and genetic evidence is not sufficient to establish whether loss-of-function variants in IRF7 cause disease. This variant is present in population databases (rs755499829, gnomAD 0.04%). This variant has not been reported in the literature in individuals affected with IRF7-related conditions. ClinVar contains an entry for this variant (Variation ID: 1016506). In summary, the available evidence is currently insufficient to determine the role of this variant in disease. Therefore, it has been classified as a Variant of Uncertain Significance.